The following is an entry in ClinVar:

ClinVar aggregate classification (germline): Uncertain significance (1 of 4 stars; one submission).

Conditions:
Oligodontia-cancer predisposition syndrome. Also called: TOOTH AGENESIS-COLORECTAL CANCER SYNDROME. Identifiers: Orphanet 300576, MedGen C1837750, MONDO:0012075, OMIM 608615. Disease mechanism: loss of function.

Submission:

Labcorp Genetics (formerly Invitae), Labcorp
Classification: Uncertain significance for Oligodontia-cancer predisposition syndrome. Last evaluated: 2022-07-28. Review status: criteria provided, single submitter. Criteria: Invitae Variant Classification Sherloc (09022015). Collection method: clinical testing. Allele origin: germline.
Comment: This sequence change replaces lysine, which is basic and polar, with asparagine, which is neutral and polar, at codon 580 of the AXIN2 protein (p.Lys580Asn). This variant is not present in population databases (gnomAD no frequency). This variant has not been reported in the literature in individuals affected with AXIN2-related conditions. Algorithms developed to predict the effect of missense changes on protein structure and function are either unavailable or do not agree on the potential impact of this missense change (SIFT: "Deleterious"; PolyPhen-2: "Benign"; Align-GVGD: "Class C0"). In summary, the available evidence is currently insufficient to determine the role of this variant in disease. Therefore, it has been classified as a Variant of Uncertain Significance.

NM_004655.4(AXIN2):c.1740A>C (p.Lys580Asn)

Gene: AXIN2 (axin 2; minus strand). Cytogenetic location: 17q24.1.
Variant type: single nucleotide variant.
Coding change: c.1740A>C on transcript NM_004655.4 (MANE Select); coding-DNA position 1740, A replaced by C.
Protein change: p.Lys580Asn; replaces lysine 580 with asparagine.
Molecular consequence: missense variant. On other transcripts: intron variant (1).
Genome position (GRCh38, 1-based): chr17:65,537,036, T>G on the plus strand (A>C on the coding strand, the complement: AXIN2 is on the minus strand). VCF-style: chr17-65537036-T-G. GRCh37 (hg19) VCF-style: chr17-63533154-T-G.
Other names: c.1712+288A>C (NM_001363813.1); short protein forms K580N.
Identifiers: ClinVar variation 1714049 (VCV001714049.5), dbSNP rs2043936895, ClinGen allele CA400676711.